The following is an entry in ClinVar:

ClinVar aggregate classification (germline): Uncertain significance (1 of 4 stars; one submission).

Submission:

Labcorp Genetics (formerly Invitae), Labcorp
Classification: Uncertain significance. Last evaluated: 2023-07-25. Review status: criteria provided, single submitter. Criteria: Invitae Variant Classification Sherloc (09022015). Collection method: clinical testing. Allele origin: germline.
Comment: Advanced modeling of protein sequence and biophysical properties (such as structural, functional, and spatial information, amino acid conservation, physicochemical variation, residue mobility, and thermodynamic stability) performed at Invitae indicates that this missense variant is not expected to disrupt CDK13 protein function. This variant has not been reported in the literature in individuals affected with CDK13-related conditions. This variant is not present in population databases (gnomAD no frequency). This sequence change replaces asparagine, which is neutral and polar, with isoleucine, which is neutral and non-polar, at codon 812 of the CDK13 protein (p.Asn812Ile). In summary, the available evidence is currently insufficient to determine the role of this variant in disease. Therefore, it has been classified as a Variant of Uncertain Significance.

NM_003718.5(CDK13):c.2435A>T (p.Asn812Ile)

Gene: CDK13 (cyclin dependent kinase 13; plus strand). Cytogenetic location: 7p14.1.
Variant type: single nucleotide variant.
Coding change: c.2435A>T on transcript NM_003718.5 (MANE Select); coding-DNA position 2435, A replaced by T.
Protein change: p.Asn812Ile; replaces asparagine 812 with isoleucine.
Molecular consequence: missense variant.
Genome position (GRCh38, 1-based): chr7:40,045,917, A>T. VCF-style: chr7-40045917-A-T. GRCh37 (hg19) VCF-style: chr7-40085516-A-T.
Other names: c.2435A>T, p.Asn812Ile (NM_031267.4); short protein forms N812I.
Identifiers: ClinVar variation 2776705 (VCV002776705.3), dbSNP rs2483940316, ClinGen allele CA367279854.